The following is an entry in ClinVar:

ClinVar aggregate classification (germline): Uncertain significance (1 of 4 stars; one submission).

Conditions:
TP63-Related Spectrum Disorders.

Submission:

Labcorp Genetics (formerly Invitae), Labcorp
Classification: Uncertain significance. Last evaluated: 2022-02-28. Review status: criteria provided, single submitter. Criteria: Invitae Variant Classification Sherloc (09022015). Collection method: clinical testing. Allele origin: germline.
Comment: In summary, the available evidence is currently insufficient to determine the role of this variant in disease. Therefore, it has been classified as a Variant of Uncertain Significance. This sequence change replaces serine, which is neutral and polar, with tryptophan, which is neutral and slightly polar, at codon 147 of the TP63 protein (p.Ser147Trp). This variant is not present in population databases (gnomAD no frequency). This variant has not been reported in the literature in individuals affected with TP63-related conditions. Algorithms developed to predict the effect of missense changes on protein structure and function are either unavailable or do not agree on the potential impact of this missense change (SIFT: "Deleterious"; PolyPhen-2: "Probably Damaging"; Align-GVGD: "Class C0").

NM_003722.5(TP63):c.440C>G (p.Ser147Trp)

Gene: TP63 (tumor protein p63; plus strand). Cytogenetic location: 3q28.
Variant type: single nucleotide variant.
Coding change: c.440C>G on transcript NM_003722.5 (MANE Select); coding-DNA position 440, C replaced by G.
Protein change: p.Ser147Trp; replaces serine 147 with tryptophan.
Molecular consequence: missense variant. On other transcripts: intron variant (2).
Genome position (GRCh38, 1-based): chr3:189,808,387, C>G. VCF-style: chr3-189808387-C-G. GRCh37 (hg19) VCF-style: chr3-189526176-C-G.
Other names: c.440C>G, p.Ser147Trp (NM_001114978.2, NM_001114979.2, NM_001329144.2 and 1 more transcripts); c.158C>G, p.Ser53Trp (NM_001114980.2, NM_001114981.2, NM_001114982.2 and 2 more transcripts); c.434C>G, p.Ser145Trp (NM_001329964.2); c.42+18545C>G (NM_001329146.2, NM_001329150.2); short protein forms S145W, S147W, S53W.
Identifiers: ClinVar variation 2104804 (VCV002104804.3), dbSNP rs747354750, ClinGen allele CA355750565.